The following is an entry in ClinVar:

ClinVar aggregate classification (germline): Uncertain significance. Review status: criteria provided, multiple submitters, no conflicts (2 of 4 stars). 3 submissions from 3 submitters: Uncertain significance (3). Last evaluated 2025-11-05.

Conditions:
Early-infantile DEE. Also called: Early infantile epileptic encephalopathy with suppression bursts; Early infantile epileptic encephalopathy; Ohtahara syndrome. Identifiers: Orphanet 1934, MedGen C0393706, MONDO:0800491.

Allele frequency attached by ClinVar (database versions not stated): gnomAD 0.00001; TOPMed 0.00001; gnomAD exomes 0.00007; ExAC 0.00012.
gnomAD v4.1: 33 of 1,521,882 alleles (0.0022%); highest among the groups gnomAD compares: Admixed American, 0.0059%; no homozygotes.

Submissions (9):

Labcorp Genetics (formerly Invitae), Labcorp
Classification: Uncertain significance for Early-infantile DEE. Last evaluated: 2025-11-05. Review status: criteria provided, single submitter. Criteria: Invitae Variant Classification Sherloc (09022015). Collection method: clinical testing. Allele origin: germline.
Comment: This sequence change replaces arginine, which is basic and polar, with histidine, which is basic and polar, at codon 760 of the KCNQ2 protein (p.Arg760His). This variant is present in population databases (rs758530960, gnomAD 0.01%). This variant has not been reported in the literature in individuals affected with KCNQ2-related conditions. ClinVar contains an entry for this variant (Variation ID: 216827). Invitae Evidence Modeling of protein sequence and biophysical properties (such as structural, functional, and spatial information, amino acid conservation, physicochemical variation, residue mobility, and thermodynamic stability) indicates that this missense variant is expected to disrupt KCNQ2 protein function with a positive predictive value of 95%. Experimental studies have shown that this missense change does not substantially affect KCNQ2 function (PMID: 35104249). In summary, the available evidence is currently insufficient to determine the role of this variant in disease. Therefore, it has been classified as a Variant of Uncertain Significance.

Women's Health and Genetics/Laboratory Corporation of America, LabCorp
Classification: Uncertain significance. Last evaluated: 2024-12-10. Review status: criteria provided, single submitter. Criteria: LabCorp Variant Classification Summary - May 2015. Collection method: clinical testing. Allele origin: germline.
Comment: Variant summary: KCNQ2 c.2279G>A (p.Arg760His) results in a non-conservative amino acid change in the encoded protein sequence. Four of five in-silico tools predict a damaging effect of the variant on protein function. The variant allele was found at a frequency of 6.6e-05 in 121808 control chromosomes. The available data on variant occurrences in the general population are insufficient to allow any conclusion about variant significance. To our knowledge, no occurrence of c.2279G>A in individuals affected with KCNQ2-Related Disorders and no experimental evidence demonstrating its impact on protein function have been reported. ClinVar contains an entry for this variant (Variation ID: 216827). Based on the evidence outlined above, the variant was classified as uncertain significance.

Revvity Omics, Revvity
Classification: Uncertain significance. Last evaluated: 2022-01-02. Review status: criteria provided, single submitter. Criteria: ACMG Guidelines, 2015. Collection method: clinical testing. Allele origin: germline.

Channelopathy-Associated Epilepsy Research Center
No classification provided (evidence only). Condition: Complex neurodevelopmental disorder. Review status: no classification provided. Collection method: literature only. Allele origin: not applicable. Functional consequence: Mild decrease in peak current, Normal rate of activation, Mild hyperpolarizing shift of voltage dependence of activation. Not counted in ClinVar's aggregate classification.
ClinVar note: "not provided" was previously submitted as the classification for the variant. However, the classification appeared to be based only on an observation of functional data so it was converted to no classification on 2025-07-30.

Channelopathy-Associated Epilepsy Research Center
No classification provided (evidence only). Review status: no classification provided. Collection method: in vitro. Allele origin: not applicable. Functional consequence: Normal peak current. Not counted in ClinVar's aggregate classification.

Channelopathy-Associated Epilepsy Research Center
No classification provided (evidence only). Review status: no classification provided. Collection method: in vitro. Allele origin: not applicable. Functional consequence: Normal peak current. Not counted in ClinVar's aggregate classification.

Channelopathy-Associated Epilepsy Research Center
No classification provided (evidence only). Review status: no classification provided. Collection method: in vitro. Allele origin: not applicable. Functional consequence: Normal voltage dependence of activation. Not counted in ClinVar's aggregate classification.

Channelopathy-Associated Epilepsy Research Center
No classification provided (evidence only). Review status: no classification provided. Collection method: in vitro. Allele origin: not applicable. Functional consequence: Normal slope of activation. Not counted in ClinVar's aggregate classification.

Channelopathy-Associated Epilepsy Research Center
No classification provided (evidence only). Review status: no classification provided. Collection method: in vitro. Allele origin: not applicable. Functional consequence: Normal rate of activation. Not counted in ClinVar's aggregate classification.

Literature cited by the submitters: PubMed 35104249 (cited by Labcorp Genetics (formerly Invitae), Labcorp and Channelopathy-Associated Epilepsy Research Center).

NM_172107.4(KCNQ2):c.2279G>A (p.Arg760His)

Gene: KCNQ2 (potassium voltage-gated channel subfamily Q member 2; minus strand). Cytogenetic location: 20q13.33.
Variant type: single nucleotide variant.
Coding change: c.2279G>A on transcript NM_172107.4 (MANE Select); coding-DNA position 2279, G replaced by A.
Protein change: p.Arg760His; replaces arginine 760 with histidine.
Molecular consequence: missense variant.
Genome position (GRCh38, 1-based): chr20:63,406,984, C>T on the plus strand (G>A on the coding strand, the complement: KCNQ2 is on the minus strand). VCF-style: chr20-63406984-C-T. GRCh37 (hg19) VCF-style: chr20-62038337-C-T.
Other names: c.2195G>A, p.Arg732His (NM_004518.6); c.2225G>A, p.Arg742His (NM_172106.3); c.2186G>A, p.Arg729His (NM_172108.5); short protein forms R760H, R729H, R732H, R742H.
Identifiers: ClinVar variation 216827 (VCV000216827.20), dbSNP rs758530960, ClinGen allele CA338900.